The following is an entry in ClinVar:

NM_014822.4(SEC24D):c.488T>G (p.Ile163Ser)

Gene: SEC24D (SEC24 homolog D, COPII component; minus strand). Cytogenetic location: 4q26.
Variant type: single nucleotide variant.
Coding change: c.488T>G on transcript NM_014822.4 (MANE Select); coding-DNA position 488, T replaced by G.
Protein change: p.Ile163Ser; replaces isoleucine 163 with serine.
Molecular consequence: missense variant.
Genome position (GRCh38, 1-based): chr4:118,815,636, A>C on the plus strand (T>G on the coding strand, the complement: SEC24D is on the minus strand). VCF-style: chr4-118815636-A-C. GRCh37 (hg19) VCF-style: chr4-119736791-A-C.
Other names: c.488T>G (NM_014822.2); c.488T>G, p.Ile163Ser (NM_001318066.2); short protein forms I163S.
Identifiers: ClinVar variation 1470934 (VCV001470934.6), dbSNP rs758477839, ClinGen allele CA3057523.

ClinVar aggregate classification (germline): Uncertain significance. Review status: criteria provided, multiple submitters, no conflicts (2 of 4 stars). 2 submissions from 2 submitters: Uncertain significance (2). Last evaluated 2025-12-09.

Conditions:
Inborn genetic diseases. Identifiers: MedGen C0950123, MeSH D030342.

Allele frequency attached by ClinVar (database versions not stated): gnomAD 0.00001; gnomAD exomes below 0.00001; ExAC 0.00001; TOPMed 0.00002.
gnomAD v4.1: 8 of 1,614,006 alleles (0.0005%); highest among the groups gnomAD compares: Admixed American, 0.0017%; no homozygotes.

Submissions (2):

Ambry Genetics
Classification: Uncertain significance for Inborn genetic diseases. Last evaluated: 2025-12-09. Review status: criteria provided, single submitter. Criteria: Ambry Variant Classification Scheme 2023. Collection method: clinical testing. Allele origin: germline.

Labcorp Genetics (formerly Invitae), Labcorp
Classification: Uncertain significance. Last evaluated: 2025-02-24. Review status: criteria provided, single submitter. Criteria: Invitae Variant Classification Sherloc (09022015). Collection method: clinical testing. Allele origin: germline.
Comment: This sequence change replaces isoleucine, which is neutral and non-polar, with serine, which is neutral and polar, at codon 163 of the SEC24D protein (p.Ile163Ser). This variant is present in population databases (rs758477839, gnomAD 0.0009%). This variant has not been reported in the literature in individuals affected with SEC24D-related conditions. ClinVar contains an entry for this variant (Variation ID: 1470934). An algorithm developed to predict the effect of missense changes on protein structure and function (PolyPhen-2) suggests that this variant is likely to be tolerated. In summary, the available evidence is currently insufficient to determine the role of this variant in disease. Therefore, it has been classified as a Variant of Uncertain Significance.